The following is an entry in ClinVar:

NM_002230.4(JUP):c.1450G>C (p.Ala484Pro)

Gene: JUP (junction plakoglobin; minus strand). Cytogenetic location: 17q21.2.
Variant type: single nucleotide variant.
Coding change: c.1450G>C on transcript NM_002230.4 (MANE Select); coding-DNA position 1450, G replaced by C.
Protein change: p.Ala484Pro; replaces alanine 484 with proline.
Molecular consequence: missense variant.
Genome position (GRCh38, 1-based): chr17:41,763,030, C>G on the plus strand (G>C on the coding strand, the complement: JUP is on the minus strand). VCF-style: chr17-41763030-C-G. GRCh37 (hg19) VCF-style: chr17-39919282-C-G.
Other names: c.1450G>C, p.Ala484Pro (NM_001352773.2, NM_001352774.2, NM_001352775.2 and 3 more transcripts); short protein forms A484P.
Identifiers: ClinVar variation 4844414 (VCV004844414.1).
Genomic context (GRCh38, chr17:41,763,030, plus strand): 5'-CTAACAGCAGTACCTTGACCAGTGGCCACTGGTTGGGCTGGTTGAGCAGCTTCACGATGG[C>G]TGGGATGCCATAGTTGAGACGCACAGAGTTCTGGGCCATCTCGGCCTCAGGGTGGCGGCT-3'
Protein context (NP_002221.1, residues 474-494): NSVRLNYGIP[Ala484Pro]IVKLLNQPNQ

ClinVar aggregate classification (germline): Uncertain significance (1 of 4 stars; one submission).

Conditions:
Cardiovascular phenotype. Identifiers: MedGen CN230736.

Submission:

Ambry Genetics
Classification: Uncertain significance for Cardiovascular phenotype. Last evaluated: 2026-02-04. Review status: criteria provided, single submitter. Criteria: Ambry Variant Classification Scheme 2023. Collection method: clinical testing. Allele origin: germline.
Comment: The p.A484P variant (also known as c.1450G>C), located in coding exon 7 of the JUP gene, results from a G to C substitution at nucleotide position 1450. The alanine at codon 484 is replaced by proline, an amino acid with highly similar properties. This amino acid position is well conserved in available vertebrate species. In addition, the in silico prediction for this alteration is inconclusive. Based on the available evidence, the clinical significance of this variant remains unclear.